The following is an entry in ClinVar:

NM_001122752.2(SERPINI1):c.892G>C (p.Glu298Gln)

Gene: SERPINI1 (serpin family I member 1; plus strand). Cytogenetic location: 3q26.1.
Variant type: single nucleotide variant.
Coding change: c.892G>C on transcript NM_001122752.2 (MANE Select); coding-DNA position 892, G replaced by C.
Protein change: p.Glu298Gln; replaces glutamic acid 298 with glutamine.
Molecular consequence: missense variant.
Genome position (GRCh38, 1-based): chr3:167,807,254, G>C. VCF-style: chr3-167807254-G-C. GRCh37 (hg19) VCF-style: chr3-167525042-G-C.
Other names: c.892G>C, p.Glu298Gln (NM_005025.5); short protein forms E298Q.
Identifiers: ClinVar variation 2845696 (VCV002845696.3), dbSNP rs2108567236, ClinGen allele CA355157379.
Genomic context (GRCh38, chr3:167,807,254, plus strand): 5'-AGGTAACAAGATGCTCTAACTAAATATTTTTCTCCCTATGTGTTCTCCAGGTTCACAGTG[G>C]AACAGGAAATTGATTTAAAAGATGTTTTGAAGGCTCTTGGAATAACTGAAATTTTCATCA-3'
Protein context (NP_001116224.1, residues 288-308): VEVYLPRFTV[Glu298Gln]QEIDLKDVLK

ClinVar aggregate classification (germline): Uncertain significance (1 of 4 stars; one submission).

Conditions:
Familial encephalopathy with neuroserpin inclusion bodies. Also called: ENCEPHALOPATHY, FAMILIAL, WITH COLLINS BODIES. Identifiers: Orphanet 85110, MedGen C1858680, MONDO:0011412, OMIM 604218.

Submission:

Labcorp Genetics (formerly Invitae), Labcorp
Classification: Uncertain significance for Familial encephalopathy with neuroserpin inclusion bodies. Last evaluated: 2023-06-04. Review status: criteria provided, single submitter. Criteria: Invitae Variant Classification Sherloc (09022015). Collection method: clinical testing. Allele origin: germline.
Comment: In summary, the available evidence is currently insufficient to determine the role of this variant in disease. Therefore, it has been classified as a Variant of Uncertain Significance. Advanced modeling of protein sequence and biophysical properties (such as structural, functional, and spatial information, amino acid conservation, physicochemical variation, residue mobility, and thermodynamic stability) performed at Invitae indicates that this missense variant is not expected to disrupt SERPINI1 protein function. This variant has not been reported in the literature in individuals affected with SERPINI1-related conditions. This variant is not present in population databases (gnomAD no frequency). This sequence change replaces glutamic acid, which is acidic and polar, with glutamine, which is neutral and polar, at codon 298 of the SERPINI1 protein (p.Glu298Gln).